The following is an entry in ClinVar:

NM_000492.4(CFTR):c.869+1G>A

Gene: CFTR (CF transmembrane conductance regulator; plus strand). Cytogenetic location: 7q31.2.
Variant type: single nucleotide variant.
Coding change: c.869+1G>A on transcript NM_000492.4 (MANE Select); the canonical splice donor site of the intron after coding-DNA position 869, G replaced by A.
Molecular consequence: splice donor variant.
Genome position (GRCh38, 1-based): chr7:117,536,674, G>A. VCF-style: chr7-117536674-G-A. GRCh37 (hg19) VCF-style: chr7-117176728-G-A.
Identifiers: ClinVar variation 3382839 (VCV003382839.2), dbSNP rs1330431481.
Genomic context (GRCh38, chr7:117,536,674, plus strand): 5'-ATCTGTTAAGGCATACTGCTGGGAAGAAGCAATGGAAAAAATGATTGAAAACTTAAGACA[G>A]TAAGTTGTTCCAATAATTTCAATATTGTTAGTAATTCTGTCCTTAATTTTTTAAAAATAT-3'

ClinVar aggregate classification (germline): Uncertain significance (1 of 4 stars; one submission).

Conditions:
Bronchiectasis with or without elevated sweat chloride 1 (BESC1). Also called: Cystic Fibrosis-Like Syndrome. Identifiers: Orphanet 60033, MedGen C2749757, MONDO:0008887, OMIM 211400.
Hereditary pancreatitis (PCTT). Also called: Hereditary chronic pancreatitis; PRSS1-Related Hereditary Pancreatitis. Identifiers: Orphanet 676, MedGen C0238339, MONDO:0008185, OMIM 167800.
Cystic fibrosis (CF). Also called: MUCOVISCIDOSIS. Identifiers: Orphanet 586, MedGen C0010674, MONDO:0009061, OMIM 219700. Disease mechanism: loss of function.
Congenital bilateral aplasia of vas deferens from CFTR mutation (CBAVD). Identifiers: Orphanet 48, MedGen C0403814, MONDO:0010178, OMIM 277180. Disease mechanism: loss of function.

Submission:

Juno Genomics, Hangzhou Juno Genomics, Inc
Classification: Uncertain significance for Congenital bilateral aplasia of vas deferens from CFTR mutation; Cystic fibrosis; Bronchiectasis with or without elevated sweat chloride 1; Hereditary pancreatitis. Review status: criteria provided, single submitter. Criteria: ACMG Guidelines, 2015. Collection method: clinical testing. Allele origin: germline. Affected: yes.
Comment: Null variant in a gene where loss of function (LOF) is a known mechanism of disease.;Absent from controls (or at extremely low frequency if recessive) in Genome Aggregation Database, Exome Sequencing Project, 1000 Genomes Project, or Exome Aggregation Consortium.;For recessive disorders, detected in trans with a pathogenic variant.;Patient's phenotype or family history is highly specific for a disease with a single genetic etiology.